The following is an entry in ClinVar:

ClinVar aggregate classification (germline): Uncertain significance. Review status: criteria provided, multiple submitters, no conflicts (2 of 4 stars). 2 submissions from 2 submitters: Uncertain significance (2). Last evaluated 2025-02-26.

Conditions:
Hereditary breast ovarian cancer syndrome. Also called: Hereditary breast and ovarian cancer syndrome; Breast and ovarian cancer; BRCA1- and BRCA2-Associated Hereditary Breast and Ovarian Cancer; Hereditary breast and ovarian cancer; Hereditary breast and/or ovarian cancer syndrome; Hereditary breast and ovarian cancer syndrome (HBOC). Identifiers: Orphanet 145, MedGen C0677776, MeSH D061325, MONDO:0003582. Disease mechanism: loss of function.
Hereditary cancer-predisposing syndrome. Also called: Hereditary neoplastic syndrome; Neoplastic Syndromes, Hereditary; Tumor predisposition; Hereditary Cancer Syndrome. Identifiers: Orphanet 140162, MedGen C0027672, MeSH D009386, MONDO:0015356.

Allele frequency attached by ClinVar (database versions not stated): gnomAD exomes below 0.00001; TOPMed 0.00001; gnomAD 0.00003 and 0.00004.
gnomAD v4.1: 6 of 1,613,524 alleles (0.00037%); highest among the groups gnomAD compares: African/African-American, 0.008%; no homozygotes.

Submissions (2):

Ambry Genetics
Classification: Uncertain significance for Hereditary cancer-predisposing syndrome. Last evaluated: 2025-02-26. Review status: criteria provided, single submitter. Criteria: Ambry Variant Classification Scheme 2023. Collection method: clinical testing. Allele origin: germline.
Comment: The c.-2A>G variant is located in the 5' untranslated region (5&rsquo; UTR) of the BRCA2 gene. This variant results from an A to G substitution 2 bases upstream from the first translated codon. This nucleotide position is well conserved in available vertebrate species. In silico splice site analysis predicts that this alteration will result in the creation or strengthening of a novel splice donor site. RNA studies have demonstrated that this alteration does not result in abnormal splicing in the set of samples tested (Ambry internal data). Since supporting evidence is limited at this time, the clinical significance of this alteration remains unclear.

Labcorp Genetics (formerly Invitae), Labcorp
Classification: Uncertain significance for Hereditary breast ovarian cancer syndrome. Last evaluated: 2024-06-10. Review status: criteria provided, single submitter. Criteria: Invitae Variant Classification Sherloc (09022015). Collection method: clinical testing. Allele origin: germline.
Comment: This variant occurs in a non-coding region of the BRCA2 gene. It does not change the encoded amino acid sequence of the BRCA2 protein. This variant is present in population databases (no rsID available, gnomAD 0.008%). This variant has not been reported in the literature in individuals affected with BRCA2-related conditions. ClinVar contains an entry for this variant (Variation ID: 836487). Algorithms developed to predict the effect of sequence changes on RNA splicing suggest that this variant may create or strengthen a splice site. In summary, the available evidence is currently insufficient to determine the role of this variant in disease. Therefore, it has been classified as a Variant of Uncertain Significance.

NM_000059.4(BRCA2):c.-2A>G

Gene: BRCA2 (BRCA2 DNA repair associated; plus strand). Cytogenetic location: 13q13.1.
Variant type: single nucleotide variant.
Coding change: c.-2A>G on transcript NM_000059.4 (MANE Select); 2 bases upstream of the start codon, A replaced by G.
Molecular consequence: 5 prime UTR variant. On other transcripts: non-coding transcript variant (1), intron variant (1).
Genome position (GRCh38, 1-based): chr13:32,316,459, A>G. VCF-style: chr13-32316459-A-G. GRCh37 (hg19) VCF-style: chr13-32890596-A-G.
Other names: c.-2A>G (NM_001406719.1, NM_001406720.1, NM_001406721.1); c.-303+792A>G (NM_001406722.1).
Identifiers: ClinVar variation 836487 (VCV000836487.12), dbSNP rs1358226474, ClinGen allele CA609083263.
Genomic context (GRCh38, chr13:32,316,459, plus strand): 5'-CATTTTGGTCTTCTGTTTTGCAGACTTATTTACCAAGCATTGGAGGAATATCGTAGGTAA[A>G]AATGCCTATTGGATCCAAAGAGAGGCCAACATTTTTTGAAATTTTTAAGACACGCTGCAA-3'